The following is an entry in ClinVar:

NM_080911.3(UNG):c.801+5G>A

Gene: UNG (uracil DNA glycosylase; plus strand). Cytogenetic location: 12q24.11.
Variant type: single nucleotide variant.
Coding change: c.801+5G>A on transcript NM_080911.3 (MANE Select); 5 bases into the intron after coding-DNA position 801, G replaced by A.
Molecular consequence: intron variant.
Genome position (GRCh38, 1-based): chr12:109,103,616, G>A. VCF-style: chr12-109103616-G-A. GRCh37 (hg19) VCF-style: chr12-109541421-G-A.
Other names: c.774+5G>A (NM_003362.4).
Identifiers: ClinVar variation 1427066 (VCV001427066.7), dbSNP rs762578814, ClinGen allele CA6772763.

ClinVar aggregate classification (germline): Uncertain significance. Review status: criteria provided, multiple submitters, no conflicts (2 of 4 stars). 2 submissions from 2 submitters: Uncertain significance (2). Last evaluated 2025-11-24.

Conditions:
Hyper-IgM syndrome type 5 (HIGM5). Also called: Hyper-IgM Immunodeficiency Syndrome, Type 5. Identifiers: Orphanet 101092, MedGen C1720958, MONDO:0011971, OMIM 608106.

Allele frequency attached by ClinVar (database versions not stated): ExAC 0.00001; gnomAD 0.00001; gnomAD exomes 0.00001 and 0.00003; TOPMed 0.00001.
gnomAD v4.1: 12 of 1,605,742 alleles (0.00075%); highest among the groups gnomAD compares: East Asian, 0.02%; no homozygotes.

Submissions (4):

Labcorp Genetics (formerly Invitae), Labcorp
Classification: Uncertain significance for Hyper-IgM syndrome type 5. Last evaluated: 2025-11-24. Review status: criteria provided, single submitter. Criteria: Invitae Variant Classification Sherloc (09022015). Collection method: clinical testing. Allele origin: germline.
Comment: This sequence change falls in intron 6 of the UNG gene. It does not directly change the encoded amino acid sequence of the UNG protein. It affects a nucleotide within the consensus splice site. The frequency data for this variant in the population databases is considered unreliable, as metrics indicate poor data quality at this position in the gnomAD database. This variant has not been reported in the literature in individuals affected with UNG-related conditions. ClinVar contains an entry for this variant (Variation ID: 1427066). Variants that disrupt the consensus splice site are a relatively common cause of aberrant splicing (PMID: 17576681, 9536098). Algorithms developed to predict the effect of sequence changes on RNA splicing suggest that this variant may disrupt the consensus splice site. In summary, the available evidence is currently insufficient to determine the role of this variant in disease. Therefore, it has been classified as a Variant of Uncertain Significance.

Fulgent Genetics
Classification: Uncertain significance for Hyper-IgM syndrome type 5. Last evaluated: 2024-05-09. Review status: criteria provided, single submitter. Criteria: ACMG Guidelines, 2015. Collection method: clinical testing. Allele origin: germline.

Dr. Peter K. Rogan Lab, Western University
No classification provided (evidence only). Condition: Gastric cancer. Review status: no classification provided. Collection method: in vitro. Allele origin: not applicable. Functional consequence: retained intron. Not counted in ClinVar's aggregate classification.

Dr. Peter K. Rogan Lab, Western University
No classification provided (evidence only). Condition: Malignant tumor of esophagus. Review status: no classification provided. Collection method: in vitro. Allele origin: not applicable. Functional consequence: skipped exon, retained intron. Not counted in ClinVar's aggregate classification.

Literature cited by the submitters: PubMed 17576681 (cited by Labcorp Genetics (formerly Invitae), Labcorp); PubMed 9536098 (cited by Labcorp Genetics (formerly Invitae), Labcorp).